The following is an entry in ClinVar:

ClinVar aggregate classification (germline): Uncertain significance (1 of 4 stars; one submission).

gnomAD v4.1: 2 of 1,613,910 alleles (0.00012%); highest among the groups gnomAD compares: Non-Finnish European, 0.00017%; no homozygotes.

Submission:

Labcorp Genetics (formerly Invitae), Labcorp
Classification: Uncertain significance. Last evaluated: 2024-04-14. Review status: criteria provided, single submitter. Criteria: Invitae Variant Classification Sherloc (09022015). Collection method: clinical testing. Allele origin: germline.
Comment: This sequence change replaces proline, which is neutral and non-polar, with serine, which is neutral and polar, at codon 886 of the CSF2RB protein (p.Pro886Ser). This variant is present in population databases (rs762487806, gnomAD 0.0009%). This variant has not been reported in the literature in individuals affected with CSF2RB-related conditions. An algorithm developed to predict the effect of missense changes on protein structure and function (PolyPhen-2) suggests that this variant is likely to be disruptive. In summary, the available evidence is currently insufficient to determine the role of this variant in disease. Therefore, it has been classified as a Variant of Uncertain Significance.

NM_000395.3(CSF2RB):c.2656C>T (p.Pro886Ser)

Gene: CSF2RB (colony stimulating factor 2 receptor subunit beta; plus strand). Cytogenetic location: 22q12.3.
Variant type: single nucleotide variant.
Coding change: c.2656C>T on transcript NM_000395.3 (MANE Select); coding-DNA position 2656, C replaced by T.
Protein change: p.Pro886Ser; replaces proline 886 with serine.
Molecular consequence: missense variant.
Genome position (GRCh38, 1-based): chr22:36,938,464, C>T. VCF-style: chr22-36938464-C-T. GRCh37 (hg19) VCF-style: chr22-37334506-C-T.
Other names: c.2674C>T, p.Pro892Ser (NM_001410827.1); short protein forms P886S, P892S.
Identifiers: ClinVar variation 3620134 (VCV003620134.2).